The following is an entry in ClinVar:

ClinVar aggregate classification (germline): Pathogenic/Likely pathogenic. Review status: criteria provided, multiple submitters, no conflicts (2 of 4 stars). 7 submissions from 7 submitters: Pathogenic (3); Likely pathogenic (3). 1 of the submissions does not count toward it. Last evaluated 2025-10-31.

Conditions:
Galactosylceramide beta-galactosidase deficiency. Also called: GALACTOCEREBROSIDASE DEFICIENCY; GALC DEFICIENCY; GLOBOID CELL LEUKOENCEPHALOPATHY; Krabbe Disease; Leukodystrophy, Globoid Cell. Identifiers: Orphanet 487, MedGen C0023521, MONDO:0009499, OMIM 245200.

Allele frequency attached by ClinVar (database versions not stated): gnomAD exomes 0.00002 and 0.00004; gnomAD 0.00002 and 0.00001; TOPMed 0.00002; ExAC 0.00006.
gnomAD v4.1: 28 of 1,609,872 alleles (0.0017%); highest among the groups gnomAD compares: African/African-American, 0.0027%; no homozygotes.

Submissions (7):

Labcorp Genetics (formerly Invitae), Labcorp
Classification: Pathogenic for Galactosylceramide beta-galactosidase deficiency. Last evaluated: 2025-10-31. Review status: criteria provided, single submitter. Criteria: Invitae Variant Classification Sherloc (09022015). Collection method: clinical testing. Allele origin: germline.
Comment: This sequence change replaces arginine, which is basic and polar, with cysteine, which is neutral and slightly polar, at codon 531 of the GALC protein (p.Arg531Cys). This variant is present in population databases (rs749893889, gnomAD 0.02%). This missense change has been observed in individual(s) with Krabbe disease (PMID: 9338580, 17824908, 30777126). This variant is also known as R515C. ClinVar contains an entry for this variant (Variation ID: 188997). Invitae Evidence Modeling of protein sequence and biophysical properties (such as structural, functional, and spatial information, amino acid conservation, physicochemical variation, residue mobility, and thermodynamic stability) indicates that this missense variant is expected to disrupt GALC protein function with a positive predictive value of 95%. Experimental studies are conflicting or provide insufficient evidence to determine the effect of this variant on GALC function (PMID: 27638593). This variant disrupts the p.Arg531 amino acid residue in GALC. Other variant(s) that disrupt this residue have been determined to be pathogenic (PMID: 10234611, 16607461, 26795590, 27126738, 28976722). This suggests that this residue is clinically significant, and that variants that disrupt this residue are likely to be disease-causing. For these reasons, this variant has been classified as Pathogenic.

Natera, Inc.
Classification: Likely pathogenic for Galactosylceramide beta-galactosidase deficiency. Last evaluated: 2024-10-07. Review status: criteria provided, single submitter. Criteria: Natera Variant Classification Schema (03/2026). Collection method: clinical testing. Allele origin: germline.
Comment: The c.1591C>T variant in GALC is a missense variant predicted to cause substitution of arginine to cysteine at amino acid 531. This variant is rare in the general population with a frequency below the threshold expected for the associated phenotype(s). This variant has been observed in one or more individuals affected with the associated recessive disease, as either homozygous or compound heterozygous with a second variant (PMID: 17824908, 32089546, 21824559). A different variant at the same position has been determined to be Pathogenic or Likely Pathogenic. Computational prediction algorithms indicate this variant is likely to affect gene or protein function. Given the available evidence, this variant is classified as Likely Pathogenic.

Fulgent Genetics
Classification: Likely pathogenic for Galactosylceramide beta-galactosidase deficiency. Last evaluated: 2024-03-14. Review status: criteria provided, single submitter. Criteria: ACMG Guidelines, 2015. Collection method: clinical testing. Allele origin: germline.

Centre for Inherited Metabolic Diseases, Karolinska University Hospital
Classification: Pathogenic for Galactosylceramide beta-galactosidase deficiency. Last evaluated: 2021-03-31. Review status: criteria provided, single submitter. Criteria: ACMG Guidelines, 2015. Collection method: clinical testing. Allele origin: germline. Inheritance: Autosomal recessive inheritance. Affected: yes. Observed: 1 compound heterozygote.

Clinical Genetics and Genomics, Karolinska University Hospital
Classification: Pathogenic. Last evaluated: 2015-01-07. Review status: criteria provided, single submitter. Criteria: ACMG Guidelines, 2015. Collection method: clinical testing. Allele origin: germline. Affected: yes. Observed: 22 variant alleles.

Juno Genomics, Hangzhou Juno Genomics, Inc
Classification: Likely pathogenic for Galactosylceramide beta-galactosidase deficiency. Review status: criteria provided, single submitter. Criteria: ACMG Guidelines, 2015. Collection method: clinical testing. Allele origin: germline. Affected: yes.
Comment: Absent from controls (or at extremely low frequency if recessive) in Genome Aggregation Database.;Multiple lines of computational evidence support a deleterious effect on the gene or gene product.;Novel missense change at an amino acid residue where a different missense change determined to be pathogenic has been seen before.;For recessive disorders, detected in trans with a pathogenic variant.;Patient's phenotype or family history is highly specific for a disease with a single genetic etiology.

Counsyl
Classification: Likely pathogenic for Galactosylceramide beta-galactosidase deficiency. Last evaluated: 2014-10-01. Review status: no assertion criteria provided. Collection method: literature only. Allele origin: unknown. Inheritance: Autosomal recessive inheritance. Not counted in ClinVar's aggregate classification.

Literature cited by the submitters: PubMed 9338580 (cited by Labcorp Genetics (formerly Invitae), Labcorp and Counsyl); PubMed 17824908 (cited by Labcorp Genetics (formerly Invitae), Labcorp and Natera, Inc.); PubMed 30777126 (cited by Labcorp Genetics (formerly Invitae), Labcorp); PubMed 27638593 (cited by Labcorp Genetics (formerly Invitae), Labcorp); PubMed 10234611 (cited by Labcorp Genetics (formerly Invitae), Labcorp); PubMed 16607461 (cited by Labcorp Genetics (formerly Invitae), Labcorp); PubMed 26795590 (cited by Labcorp Genetics (formerly Invitae), Labcorp); PubMed 27126738 (cited by Labcorp Genetics (formerly Invitae), Labcorp); PubMed 28976722 (cited by Labcorp Genetics (formerly Invitae), Labcorp); PubMed 32089546 (cited by Natera, Inc.); PubMed 21824559 (cited by Natera, Inc. and Counsyl); PubMed 22520351 (cited by Counsyl); PubMed 21876145 (cited by Counsyl); PubMed 23197103 (cited by Counsyl).

NM_000153.4(GALC):c.1591C>T (p.Arg531Cys)

Gene: GALC (galactosylceramidase; minus strand). Cytogenetic location: 14q31.3.
Variant type: single nucleotide variant.
Coding change: c.1591C>T on transcript NM_000153.4 (MANE Select); coding-DNA position 1591, C replaced by T.
Protein change: p.Arg531Cys; replaces arginine 531 with cysteine.
Molecular consequence: missense variant.
Genome position (GRCh38, 1-based): chr14:87,945,632, G>A on the plus strand (C>T on the coding strand, the complement: GALC is on the minus strand). VCF-style: chr14-87945632-G-A. GRCh37 (hg19) VCF-style: chr14-88411976-G-A.
Other names: c.1522C>T, p.Arg508Cys (NM_001201401.2); c.1513C>T, p.Arg505Cys (NM_001201402.2); short protein forms R531C, R505C, R508C.
Identifiers: ClinVar variation 188997 (VCV000188997.18), dbSNP rs749893889, ClinGen allele CA274231.